The following is an entry in ClinVar:

ClinVar aggregate classification (germline): Pathogenic. Review status: criteria provided, multiple submitters, no conflicts (2 of 4 stars). 5 submissions from 5 submitters: Pathogenic (4). 1 of the submissions does not count toward it. Last evaluated 2025-08-29.

Conditions:
X-linked Opitz G/BBB syndrome (GBBB). Also called: OPITZ BBBG SYNDROME, TYPE I; OPITZ SYNDROME, X-LINKED; OPITZ-G SYNDROME, TYPE I; Opitz-Frias syndrome; MID1-Related Opitz G/BBB Syndrome. Identifiers: Orphanet 2745, MedGen C2936904, MONDO:0010222, OMIM 300000.
Dandy-Walker syndrome (DWS). Identifiers: Orphanet 217, MedGen C0010964, MeSH D003616, MONDO:0009072, OMIM 220200.

Submissions (5):

GeneDx
Classification: Pathogenic. Last evaluated: 2025-08-29. Review status: criteria provided, single submitter. Criteria: GeneDx Variant Classification Process June 2021. Collection method: clinical testing. Allele origin: germline. Affected: yes.
Comment: Observed in hemizygous state in patients with features of MID1-related Opitz GBBB syndrome referred for genetic testing at GeneDx and in the literature and not observed in hemizygous state in controls (PMID: 15121778, 15558842); Nonsense variant predicted to result in protein truncation or nonsense mediated decay in a gene for which loss of function is a known mechanism of disease; Not observed at significant frequency in large population cohorts (gnomAD); This variant is associated with the following publications: (PMID: 26663670, 25525159, 18697196, 25304119, 15558842, 37498300, 20301502, 15121778)

Women's Health and Genetics/Laboratory Corporation of America, LabCorp
Classification: Pathogenic for X-linked Opitz G/BBB syndrome. Last evaluated: 2021-05-28. Review status: criteria provided, single submitter. Criteria: LabCorp Variant Classification Summary - May 2015. Collection method: clinical testing. Allele origin: germline.
Comment: Variant summary: MID1 c.829C>T (p.Arg277X) results in a premature termination codon, predicted to cause a truncation of the encoded protein or absence of the protein due to nonsense mediated decay, which are commonly known mechanisms for disease. The variant was absent in 183045 control chromosomes (gnomAD). c.829C>T has been reported in the literature in individuals affected with Opitz GBBB Syndrome, Type I (Pinson_2004, So_2005). These data indicate that the variant may be associated with disease. Three ClinVar submitters (evaluation after 2014) cite the variant as pathogenic. Based on the evidence outlined above, the variant was classified as pathogenic.

Cytogénomique, Hospices Civils de Lyon
Classification: Pathogenic for Dandy-Walker malformation. Last evaluated: 2020-10-30. Review status: criteria provided, single submitter. Criteria: ACMG Guidelines, 2015. Collection method: clinical testing. Allele origin: de novo. Inheritance: Sporadic. Affected: yes. Observed: 1 variant allele, 1 heterozygote.
Comment: Nonsense variant absent from gnomAD de novo. 20A4507

Center for Human Genetics, Inc
Classification: Pathogenic for X-linked Opitz G/BBB syndrome. Last evaluated: 2016-11-01. Review status: criteria provided, single submitter. Criteria: ACMG Guidelines, 2015. Collection method: clinical testing. Allele origin: germline. Affected: yes.

GeneReviews
No classification provided. Condition: X-linked Opitz G/BBB syndrome. Review status: no classification provided. Collection method: literature only. Allele origin: germline. Not counted in ClinVar's aggregate classification.

Literature cited by the submitters: PubMed 15121778 (cited by Women's Health and Genetics/Laboratory Corporation of America, LabCorp); PubMed 15558842 (cited by Women's Health and Genetics/Laboratory Corporation of America, LabCorp); NCBI Bookshelf NBK1327 (cited by GeneReviews).

NM_000381.4(MID1):c.829C>T (p.Arg277Ter)

Gene: MID1 (midline 1; minus strand). Cytogenetic location: Xp22.2.
Variant type: single nucleotide variant.
Coding change: c.829C>T on transcript NM_000381.4 (MANE Select); coding-DNA position 829, C replaced by T.
Protein change: p.Arg277Ter; replaces arginine 277 with a stop codon.
Molecular consequence: nonsense.
Genome position (GRCh38, 1-based): chrX:10,495,619, G>A on the plus strand (C>T on the coding strand, the complement: MID1 is on the minus strand). VCF-style: chrX-10495619-G-A. GRCh37 (hg19) VCF-style: chrX-10463659-G-A.
Other names: c.829C>T, p.Arg277Ter (NM_001098624.2, NM_001193277.1, NM_001193279.1 and 2 more transcripts); c.982C>T, p.Arg328Ter (NM_001193278.1); c.715C>T, p.Arg239Ter (NM_001193280.1, NM_033289.2); short protein forms R277*, R239*, R328*.
Identifiers: ClinVar variation 547521 (VCV000547521.9), dbSNP rs1555895704, ClinGen allele CA412047654.
Genomic context (GRCh38, chrX:10,495,619, plus strand): 5'-AAATCTTCTGCCCTAGAAATCATACCTTCCCTTCTTTGATCTTGGTTCCAATAATCTGTC[G>A]TCTTTGCTGAATGATCTCAATGAGAAGATCACACTCCTCTGTCAATTTGGCTTCTTGACG-3'